The following is an entry in ClinVar:

NM_015001.3(SPEN):c.7550C>T (p.Ala2517Val)

Gene: SPEN (spen family transcriptional repressor; plus strand). Cytogenetic location: 1p36.13.
Variant type: single nucleotide variant.
Coding change: c.7550C>T on transcript NM_015001.3 (MANE Select); coding-DNA position 7550, C replaced by T.
Protein change: p.Ala2517Val; replaces alanine 2517 with valine.
Molecular consequence: missense variant.
Genome position (GRCh38, 1-based): chr1:15,933,790, C>T. VCF-style: chr1-15933790-C-T. GRCh37 (hg19) VCF-style: chr1-16260285-C-T.
Other names: short protein forms A2517V.
Identifiers: ClinVar variation 2631692 (VCV002631692.2), dbSNP rs1033557509, ClinGen allele CA18280810.
Genomic context (GRCh38, chr1:15,933,790, plus strand): 5'-AGGTGACAGAGTGGATCACAAGGCAGGAGGAGCCACGGGCTCAGTCTACTCCATCTCCAG[C>T]TCTTCCCCCAGACACAAAGGCCTCTGATGTTGACACCAGCTCCAGCACCCTGAGGAAGAT-3'
Protein context (NP_055816.2, residues 2507-2527): EPRAQSTPSP[Ala2517Val]LPPDTKASDV

ClinVar aggregate classification (germline): Uncertain significance (1 of 4 stars; one submission).

Conditions:
SPEN-related disorder. Also called: SPEN-related condition.

Allele frequency attached by ClinVar (database versions not stated): TOPMed below 0.00001; gnomAD 0.00001; gnomAD exomes 0.00001.

Submission:

PreventionGenetics, part of Exact Sciences
Classification: Uncertain significance for SPEN-related condition. Last evaluated: 2026-02-25. Review status: criteria provided, single submitter. Criteria: ACMG Guidelines, 2015. Collection method: clinical testing. Allele origin: germline.
Comment: The SPEN c.7550C>T variant is predicted to result in the amino acid substitution p.Ala2517Val. To our knowledge, this variant has not been reported in the literature or in a large population database (gnomAD), indicating this variant is rare. At this time, the clinical significance of this variant is uncertain due to the absence of conclusive functional and genetic evidence.